The following is an entry in ClinVar:

NM_000081.4(LYST):c.3375_3380del (p.1125_1126EL[1])

Gene: LYST (lysosomal trafficking regulator; minus strand). Cytogenetic location: 1q42.3.
Variant type: Deletion.
Coding change: c.3375_3380del on transcript NM_000081.4 (MANE Select); coding-DNA positions 3375 to 3380, 6 bases deleted (ATTGGA; older notation c.3375_3380delATTGGA).
Protein change: p.1125_1126EL[1].
Molecular consequence: inframe deletion.
Genome position (GRCh38, 1-based): chr1:235,805,756-235,805,761, TCCAAT deleted on the plus strand (ATTGGA on the coding strand, the reverse complement: LYST is on the minus strand); deleting any 6 consecutive bases within chr1:235,805,756-235,805,765 gives the same sequence; the c. name uses the placement nearest the transcript's 3' end. VCF-style (leftmost placement, unchanged base first): chr1-235805755-CTCCAAT-C. GRCh37 (hg19) VCF-style: chr1-235969055-CTCCAAT-C.
Other names: c.3375_3380del, p.1125_1126EL[1] (NM_001301365.1).
Identifiers: ClinVar variation 859921 (VCV000859921.7), dbSNP rs1258174814, ClinGen allele CA529911459.

ClinVar aggregate classification (germline): Uncertain significance (1 of 4 stars; one submission).

Conditions:
Chédiak-Higashi syndrome (CHS). Also called: Chediak-Higashi Syndrome. Identifiers: Orphanet 167, MedGen C0007965, MONDO:0008963, OMIM 214500.

Submission:

Labcorp Genetics (formerly Invitae), Labcorp
Classification: Uncertain significance for Chédiak-Higashi syndrome. Last evaluated: 2021-09-01. Review status: criteria provided, single submitter. Criteria: Invitae Variant Classification Sherloc (09022015). Collection method: clinical testing. Allele origin: germline.
Comment: This variant, c.3375_3380del, results in the deletion of 2 amino acid(s) of the LYST protein (p.Glu1127_Leu1128del), but otherwise preserves the integrity of the reading frame. This variant is not present in population databases (ExAC no frequency). This variant has not been reported in the literature in individuals affected with LYST-related conditions. Experimental studies and prediction algorithms are not available or were not evaluated, and the functional significance of this variant is currently unknown. In summary, the available evidence is currently insufficient to determine the role of this variant in disease. Therefore, it has been classified as a Variant of Uncertain Significance.